The following is an entry in ClinVar:

ClinVar aggregate classification (germline): Uncertain significance. Review status: criteria provided, multiple submitters, no conflicts (2 of 4 stars). 3 submissions from 3 submitters: Uncertain significance (2). 1 of the submissions does not count toward it. Last evaluated 2026-03-03.

Conditions:
Neuromuscular disease caused by qualitative or quantitative defects of dysferlin. Also called: Qualitative or quantitative defects of dysferlin; Dysferlinopathy. Identifiers: Orphanet 207073, MedGen C2931687, MONDO:0016145.
Autosomal recessive limb-girdle muscular dystrophy type 2B (LGMDR2). Also called: Limb-girdle muscular dystrophy, type 2B; MUSCULAR DYSTROPHY, LIMB-GIRDLE, TYPE 3; MUSCULAR DYSTROPHY, LIMB-GIRDLE, AUTOSOMAL RECESSIVE 2; Limb-Girdle Muscular Dystrophy Type 2B (LGMD2B). Identifiers: Orphanet 268, MedGen C1850889, MONDO:0009676, OMIM 253601.

Allele frequency attached by ClinVar (database versions not stated): gnomAD exomes 0.00001 and 0.00002; ExAC 0.00002.
gnomAD v4.1: 4 of 1,613,640 alleles (0.00025%); highest among the groups gnomAD compares: Admixed American, 0.0067%; no homozygotes.

Submissions (3):

Women's Health and Genetics/Laboratory Corporation of America, LabCorp
Classification: Uncertain significance. Last evaluated: 2026-03-03. Review status: criteria provided, single submitter. Criteria: LabCorp Variant Classification Summary - May 2015. Collection method: clinical testing. Allele origin: germline.

Labcorp Genetics (formerly Invitae), Labcorp
Classification: Uncertain significance for Neuromuscular disease caused by qualitative or quantitative defects of dysferlin. Last evaluated: 2022-08-23. Review status: criteria provided, single submitter. Criteria: Invitae Variant Classification Sherloc (09022015). Collection method: clinical testing. Allele origin: germline.
Comment: This sequence change falls in intron 53 of the DYSF gene. It does not directly change the encoded amino acid sequence of the DYSF protein. It affects a nucleotide within the consensus splice site. This variant is present in population databases (rs749127704, gnomAD 0.01%). This variant has not been reported in the literature in individuals affected with DYSF-related conditions. ClinVar contains an entry for this variant (Variation ID: 471322). Variants that disrupt the consensus splice site are a relatively common cause of aberrant splicing (PMID: 17576681, 9536098). Algorithms developed to predict the effect of sequence changes on RNA splicing suggest that this variant is not likely to affect RNA splicing. In summary, the available evidence is currently insufficient to determine the role of this variant in disease. Therefore, it has been classified as a Variant of Uncertain Significance.

Natera, Inc.
Classification: Uncertain significance for Limb-girdle muscular dystrophy type 2B. Last evaluated: 2019-10-28. Review status: no assertion criteria provided. Collection method: clinical testing. Allele origin: germline. Not counted in ClinVar's aggregate classification.

Literature cited by the submitters: PubMed 17576681 (cited by Labcorp Genetics (formerly Invitae), Labcorp); PubMed 9536098 (cited by Labcorp Genetics (formerly Invitae), Labcorp).

NM_001130987.2(DYSF):c.6173+4A>C

Gene: DYSF (dysferlin; plus strand). Cytogenetic location: 2p13.2.
Variant type: single nucleotide variant.
Coding change: c.6173+4A>C on transcript NM_001130987.2 (MANE Select); 4 bases into the intron after coding-DNA position 6173, A replaced by C.
Molecular consequence: intron variant.
Genome position (GRCh38, 1-based): chr2:71,681,114, A>C. VCF-style: chr2-71681114-A-C. GRCh37 (hg19) VCF-style: chr2-71908244-A-C.
Other names: c.6149+4A>C (NM_001130979.2); c.6170+4A>C (NM_001130981.2); c.6107+4A>C (NM_001130980.2); c.6119+4A>C (NM_001130978.2); c.6056+4A>C (NM_003494.4); c.6077+4A>C (NM_001130977.2); c.6014+4A>C (NM_001130976.2); c.6152+4A>C (NM_001130982.2); and 5 more.
Identifiers: ClinVar variation 471322 (VCV000471322.6), dbSNP rs749127704, ClinGen allele CA1707609.